The following is an entry in ClinVar:

ClinVar aggregate classification (germline): Uncertain significance (1 of 4 stars; one submission).

Conditions:
PIEZO1-related disorder. Also called: PIEZO1-related condition; PIEZO1-Related Disorders.

gnomAD v4.1: 5 of 1,512,032 alleles (0.00033%); highest among the groups gnomAD compares: Admixed American, 0.007%; no homozygotes.

Submission:

PreventionGenetics, part of Exact Sciences
Classification: Uncertain significance for PIEZO1-related condition. Last evaluated: 2025-09-23. Review status: criteria provided, single submitter. Criteria: ACMG Guidelines, 2015. Collection method: clinical testing. Allele origin: germline.
Comment: The PIEZO1 c.4174C>A variant is predicted to result in the amino acid substitution p.Pro1392Thr. To our knowledge, this variant has not been reported in the literature. This variant is reported in 0.0061% of alleles in individuals of Latino descent in gnomAD. At this time, the clinical significance of this variant is uncertain due to the absence of conclusive functional and genetic evidence.

NM_001142864.4(PIEZO1):c.4174C>A (p.Pro1392Thr)

Gene: PIEZO1 (piezo type mechanosensitive ion channel component 1 (Er blood group); minus strand). Cytogenetic location: 16q24.3.
Variant type: single nucleotide variant.
Coding change: c.4174C>A on transcript NM_001142864.4 (MANE Select); coding-DNA position 4174, C replaced by A.
Protein change: p.Pro1392Thr; replaces proline 1392 with threonine.
Molecular consequence: missense variant.
Genome position (GRCh38, 1-based): chr16:88,725,069, G>T on the plus strand (C>A on the coding strand, the complement: PIEZO1 is on the minus strand). VCF-style: chr16-88725069-G-T. GRCh37 (hg19) VCF-style: chr16-88791477-G-T.
Other names: short protein forms P1392T.
Identifiers: ClinVar variation 4999312 (VCV004999312.1).